The following is an entry in ClinVar:

ClinVar aggregate classification (germline): Uncertain significance (1 of 4 stars; one submission).

Conditions:
X-linked myopathy with postural muscle atrophy. Also called: FHL1-Related Emery-Dreifuss Muscular Dystrophy, X-Linked. Identifiers: Orphanet 178461, MedGen C2678055, MONDO:0010401, OMIM 300696.

Submission:

Labcorp Genetics (formerly Invitae), Labcorp
Classification: Uncertain significance for X-linked myopathy with postural muscle atrophy. Last evaluated: 2025-08-25. Review status: criteria provided, single submitter. Criteria: Invitae Variant Classification Sherloc (09022015). Collection method: clinical testing. Allele origin: germline.
Comment: This sequence change replaces cysteine, which is neutral and slightly polar, with tyrosine, which is neutral and polar, at codon 224 of the FHL1 protein (p.Cys224Tyr). This variant is not present in population databases (gnomAD no frequency). This variant has not been reported in the literature in individuals affected with FHL1-related conditions. An algorithm developed to predict the effect of missense changes on protein structure and function (PolyPhen-2) suggests that this variant is likely to be disruptive. This variant disrupts the p.Cys224 amino acid residue in FHL1. Other variant(s) that disrupt this residue have been determined to be pathogenic (PMID: 18179888, 19687455, 22923418). This suggests that this residue is clinically significant, and that variants that disrupt this residue are likely to be disease-causing. In summary, the available evidence is currently insufficient to determine the role of this variant in disease. Therefore, it has been classified as a Variant of Uncertain Significance.

Literature cited by the submitters: PubMed 18179888; PubMed 19687455; PubMed 22923418.

NM_001159699.2(FHL1):c.719G>A (p.Cys240Tyr)

Gene: FHL1 (four and a half LIM domains 1; plus strand). Cytogenetic location: Xq26.3.
Variant type: single nucleotide variant.
Coding change: c.719G>A on transcript NM_001159699.2 (MANE Select); coding-DNA position 719, G replaced by A.
Protein change: p.Cys240Tyr; replaces cysteine 240 with tyrosine.
Molecular consequence: missense variant. On other transcripts: non-coding transcript variant (1), intron variant (2).
Genome position (GRCh38, 1-based): chrX:136,208,624, G>A. VCF-style: chrX-136208624-G-A. GRCh37 (hg19) VCF-style: chrX-135290783-G-A.
Other names: c.671G>A, p.Cys224Tyr (NM_001369329.1, NM_001369330.1, NM_001369331.1 and 8 more transcripts); c.719G>A, p.Cys240Tyr (NM_001440769.1); c.501+663G>A (NM_001159703.2); c.549+663G>A (NM_001330659.2); c.758G>A, p.Cys253Tyr (NM_001159701.2); short protein forms C253Y, C224Y, C240Y.
Identifiers: ClinVar variation 4726004 (VCV004726004.1).